The following is an entry in ClinVar:

ClinVar aggregate classification (germline): Uncertain significance (1 of 4 stars; one submission).

Conditions:
Retinoblastoma (RB1). Also called: RETINOBLASTOMA, SOMATIC. Identifiers: Orphanet 790, MedGen C0035335, MeSH D012175, MONDO:0008380, OMIM 180200, HP:0009919. Disease mechanism: loss of function. Inheritance: Both sporadic and heritable forms are tested..

Submission:

Labcorp Genetics (formerly Invitae), Labcorp
Classification: Uncertain significance for Retinoblastoma. Last evaluated: 2025-03-11. Review status: criteria provided, single submitter. Criteria: Invitae Variant Classification Sherloc (09022015). Collection method: clinical testing. Allele origin: germline.
Comment: This variant occurs in a non-coding region of the RB1 gene. It does not change the encoded amino acid sequence of the RB1 protein. This variant is not present in population databases (gnomAD no frequency). This variant has not been reported in the literature in individuals affected with RB1-related conditions. Experimental studies and prediction algorithms are not available or were not evaluated, and the functional significance of this variant is currently unknown. In summary, the available evidence is currently insufficient to determine the role of this variant in disease. Therefore, it has been classified as a Variant of Uncertain Significance.

NM_000321.3(RB1):c.-65_-64del

Gene: RB1 (RB transcriptional corepressor 1; plus strand). Cytogenetic location: 13q14.2.
Variant type: Deletion.
Coding change: c.-65_-64del on transcript NM_000321.3 (MANE Select); 65 bases upstream of the start codon through 64 bases upstream of the start codon, 2 bases deleted (TG; older notation c.-65_-64delTG).
Molecular consequence: 5 prime UTR variant.
Genome position (GRCh38, 1-based): chr13:48,303,848-48,303,849, TG deleted; deleting any 2 consecutive bases within chr13:48,303,847-48,303,849 gives the same sequence; the c. name uses the placement nearest the transcript's 3' end. VCF-style (leftmost placement, unchanged base first): chr13-48303846-CGT-C. GRCh37 (hg19) VCF-style: chr13-48877982-CGT-C.
Other names: c.-65_-64del (NM_001407165.1, NM_001407166.1, NM_001407167.1).
Identifiers: ClinVar variation 3708577 (VCV003708577.2).